The following is an entry in ClinVar:

NM_014550.4(CARD10):c.1398C>T (p.Ser466=)

Gene: CARD10 (caspase recruitment domain family member 10; minus strand). Cytogenetic location: 22q13.1.
Variant type: single nucleotide variant.
Coding change: c.1398C>T on transcript NM_014550.4 (MANE Select); coding-DNA position 1398, C replaced by T.
Protein change: p.Ser466=; no amino-acid change (serine 466 retained).
Molecular consequence: synonymous variant.
Genome position (GRCh38, 1-based): chr22:37,504,755, G>A on the plus strand (C>T on the coding strand, the complement: CARD10 is on the minus strand). VCF-style: chr22-37504755-G-A. GRCh37 (hg19) VCF-style: chr22-37900762-G-A.
Identifiers: ClinVar variation 3056227 (VCV003056227.2), dbSNP rs3817805, ClinGen allele CA10219842.
Genomic context (GRCh38, chr22:37,504,755, plus strand): 5'-CAGAGGGGAGGGGAACTCGCTCAGGCTCCAAGTGCTGCTGAGGTTGGAGCACAGGGAATG[G>A]GAGGAGGCACAGGCCTGGAAGAGGGAGAGGAGAGGAAGGAGGTGAGCAGTGCTAGGCCCA-3'
Protein context (NP_055365.2, residues 456-476): GGTCLKACAS[Ser466=]HSLCSNLSST

ClinVar aggregate classification (germline): Benign (0 of 4 stars; one submission).

Conditions:
CARD10-related disorder. Also called: CARD10-related condition.

Allele frequency attached by ClinVar (database versions not stated): ESP Exome Variant Server 0.07704; TOPMed 0.09242; gnomAD 0.09263; gnomAD exomes 0.10885; 1000 Genomes Project 30x 0.12477; ExAC 0.13014; 1000 Genomes Project 0.13119.
gnomAD v4.1: 167,118 of 1,553,088 alleles (11%); highest among the groups gnomAD compares: East Asian, 27%; 10,256 homozygotes.

Submission:

PreventionGenetics, part of Exact Sciences
Classification: Benign for CARD10-related condition. Last evaluated: 2019-10-21. Review status: no assertion criteria provided. Collection method: clinical testing. Allele origin: germline.
Comment: This variant is classified as benign based on ACMG/AMP sequence variant interpretation guidelines (Richards et al. 2015 PMID: 25741868, with internal and published modifications).